The following is an entry in ClinVar:

ClinVar aggregate classification (germline): Likely pathogenic (1 of 4 stars; one submission).

Conditions:
SIN3A-related intellectual disability syndrome due to a point mutation. Also called: WITTEVEEN-KOLK SYNDROME; 15q24 Microdeletion Syndrome. Identifiers: Orphanet 500166, Orphanet 94065, MedGen C4310804, MONDO:0044700, OMIM 613406.

Submission:

Genetics Laboratory, UDIAT-Centre Diagnòstic, Hospital Universitari Parc Tauli
Classification: Likely pathogenic for SIN3A-related intellectual disability syndrome due to a point mutation. Last evaluated: 2022-10-04. Review status: criteria provided, single submitter. Criteria: Parc Tauli Hospital Assertion Criteria 2021. Collection method: clinical testing. Allele origin: de novo. Inheritance: Autosomal dominant inheritance. Affected: yes.
Comment: PVS1_moderate;PM2_supporting;PM6

NM_001145358.2(SIN3A):c.3785_3791del (p.Tyr1262fs)

Gene: SIN3A (SIN3 transcription regulator family member A; minus strand). Cytogenetic location: 15q24.2.
Variant type: Deletion.
Coding change: c.3785_3791del on transcript NM_001145358.2 (MANE Select); coding-DNA positions 3785 to 3791, 7 bases deleted (ATCGTGT; older notation c.3785_3791delATCGTGT).
Protein change: p.Tyr1262fs; shifts the reading frame from tyrosine 1262.
Molecular consequence: frameshift variant.
Genome position (GRCh38, 1-based): chr15:75,372,010-75,372,016, ACACGAT deleted on the plus strand (ATCGTGT on the coding strand, the reverse complement: SIN3A is on the minus strand); deleting any 7 consecutive bases within chr15:75,372,010-75,372,018 gives the same sequence; the c. name uses the placement nearest the transcript's 3' end. VCF-style (leftmost placement, unchanged base first): chr15-75372009-GACACGAT-G. GRCh37 (hg19) VCF-style: chr15-75664350-GACACGAT-G.
Other names: c.3785_3791del, p.Tyr1262fs (NM_001145357.2, NM_015477.3); short protein forms Y1262fs.
Identifiers: ClinVar variation 1708246 (VCV001708246.2), dbSNP rs2542981693, ClinGen allele CA2580089985.